The following is an entry in ClinVar:

ClinVar aggregate classification (germline): Pathogenic (1 of 4 stars; one submission).

Submission:

CeGaT Center for Human Genetics Tuebingen
Classification: Pathogenic. Last evaluated: 2025-04-01. Review status: criteria provided, single submitter. Criteria: CeGaT Center For Human Genetics Tuebingen Variant Classification Criteria Version 2. Collection method: clinical testing. Allele origin: germline. Affected: yes. Observed: 1 variant allele.
Comment: SPG11: PVS1, PM2

NM_025137.4(SPG11):c.3334dup (p.Asp1112fs)

Gene: SPG11 (SPG11 vesicle trafficking associated, spatacsin; minus strand). Cytogenetic location: 15q21.1.
Variant type: Duplication.
Coding change: c.3334dup on transcript NM_025137.4 (MANE Select); coding-DNA position 3334, one base duplicated (G; older notation c.3334dupG).
Protein change: p.Asp1112fs; shifts the reading frame from aspartic acid 1112.
Molecular consequence: frameshift variant.
Genome position (GRCh38, 1-based): chr15:44,608,563, C duplicated on the plus strand (G on the coding strand, the reverse complement: SPG11 is on the minus strand); the first of 2 consecutive C bases (chr15:44,608,563-44,608,564); duplicating either gives the same sequence. VCF-style (leftmost placement, unchanged base first): chr15-44608562-T-TC. GRCh37 (hg19) VCF-style: chr15-44900760-T-TC.
Other names: c.3334dup, p.Asp1112fs (NM_001160227.2, NM_001411132.1); short protein forms D1112fs.
Identifiers: ClinVar variation 3898546 (VCV003898546.7).